The following is an entry in ClinVar:

NM_024665.7(TBL1XR1):c.73G>A (p.Ala25Thr)

Gene: TBL1XR1 (TBL1X/Y related 1; minus strand). Cytogenetic location: 3q26.32.
Variant type: single nucleotide variant.
Coding change: c.73G>A on transcript NM_024665.7 (MANE Select); coding-DNA position 73, G replaced by A.
Protein change: p.Ala25Thr; replaces alanine 25 with threonine.
Molecular consequence: missense variant. On other transcripts: 5 prime UTR variant (2).
Genome position (GRCh38, 1-based): chr3:177,053,904, C>T on the plus strand (G>A on the coding strand, the complement: TBL1XR1 is on the minus strand). VCF-style: chr3-177053904-C-T. GRCh37 (hg19) VCF-style: chr3-176771692-C-T.
Other names: c.73G>A, p.Ala25Thr (NM_001321193.3, NM_001321194.3, NM_001374327.1 and 2 more transcripts); c.-189G>A (NM_001321195.3, NM_001374330.1); short protein forms A25T.
Identifiers: ClinVar variation 1195243 (VCV001195243.2), dbSNP rs2108504127, ClinGen allele CA355553825.

ClinVar aggregate classification (germline): Uncertain significance (1 of 4 stars; one submission).

Submission:

GeneDx
Classification: Uncertain significance. Last evaluated: 2019-11-05. Review status: criteria provided, single submitter. Criteria: GeneDx Variant Classification Process June 2021. Collection method: clinical testing. Allele origin: germline. Affected: yes.
Comment: Has not been previously published as pathogenic or benign to our knowledge; Not observed in large population cohorts (Lek et al., 2016); In silico analysis, which includes protein predictors and evolutionary conservation, supports a deleterious effect